The following is an entry in ClinVar:

ClinVar aggregate classification (germline): Conflicting classifications of pathogenicity. Review status: criteria provided, conflicting classifications (1 of 4 stars). 7 submissions from 7 submitters: Uncertain significance (6); Likely benign (1). Last evaluated 2026-05-03.

Conditions:
PLEC-related disorder. Also called: PLEC-related disorders; PLEC-related condition.
Inborn genetic diseases. Identifiers: MedGen C0950123, MeSH D030342.
Epidermolysis bullosa simplex 5C, with pyloric atresia (EBS5C). Also called: PLEC-Related Epidermolysis Bullosa with Pyloric Atresia; Epidermolysis bullosa simplex with pyloric atresia; PLEC1-Related Epidermolysis Bullosa with Pyloric Atresia. Identifiers: Orphanet 158684, MedGen C2677349, MONDO:0012807, OMIM 612138.
Epidermolysis bullosa simplex, Ogna type (EBS5A). Also called: Pidermolysis bullosa simplex 5A, Ogna type; EPIDERMOLYSIS BULLOSA SIMPLEX 5A, OGNA TYPE. Identifiers: Orphanet 79401, MedGen C0432317, MONDO:0007555, OMIM 131950.
Autosomal recessive limb-girdle muscular dystrophy type 2Q (LGMDR17). Also called: MUSCULAR DYSTROPHY, LIMB-GIRDLE, AUTOSOMAL RECESSIVE 17. Identifiers: Orphanet 254361, MedGen C3150989, MONDO:0013390, OMIM 613723.
Epidermolysis bullosa simplex with nail dystrophy (EBS5D). Identifiers: MedGen C4225309, MONDO:0014661, OMIM 616487.
Epidermolysis bullosa simplex 5B, with muscular dystrophy (EBS5B). Also called: Epidermolysis bullosa simplex with muscular dystrophy; EPIDERMOLYSIS BULLOSA SIMPLEX AND LIMB-GIRDLE MUSCULAR DYSTROPHY. Identifiers: Orphanet 257, MedGen C2931072, MONDO:0009181, OMIM 226670.

Allele frequency attached by ClinVar (database versions not stated): TOPMed 0.00005; gnomAD exomes 0.00008; 1000 Genomes Project 0.00020; 1000 Genomes Project 30x 0.00031; gnomAD 0.00001 and 0.00005; ExAC 0.00004.
gnomAD v4.1: 96 of 1,591,806 alleles (0.006%); highest among the groups gnomAD compares: Middle Eastern, 0.05%; no homozygotes.

Submissions (7):

PreventionGenetics, part of Exact Sciences
Classification: Uncertain significance for PLEC-related condition. Last evaluated: 2026-05-03. Review status: criteria provided, single submitter. Criteria: ACMG Guidelines, 2015. Collection method: clinical testing. Allele origin: germline.
Comment: The PLEC c.4301C>T variant is predicted to result in the amino acid substitution p.Ala1434Val. To our knowledge, this variant has not been reported in the literature. This variant is reported in 0.020% of alleles in individuals of South Asian descent in gnomAD. At this time, the clinical significance of this variant is uncertain due to the absence of conclusive functional and genetic evidence.

Labcorp Genetics (formerly Invitae), Labcorp
Classification: Uncertain significance for Autosomal recessive limb-girdle muscular dystrophy type 2Q; Epidermolysis bullosa simplex, Ogna type; Epidermolysis bullosa simplex with nail dystrophy; Epidermolysis bullosa simplex 5C, with pyloric atresia; Epidermolysis bullosa simplex 5B, with muscular dystrophy. Last evaluated: 2025-12-15. Review status: criteria provided, single submitter. Criteria: Invitae Variant Classification Sherloc (09022015). Collection method: clinical testing. Allele origin: germline.
Comment: This sequence change replaces alanine, which is neutral and non-polar, with valine, which is neutral and non-polar, at codon 1434 of the PLEC protein (p.Ala1434Val). This variant is present in population databases (rs548430154, gnomAD 0.02%). This variant has not been reported in the literature in individuals affected with PLEC-related conditions. ClinVar contains an entry for this variant (Variation ID: 510552). An algorithm developed to predict the effect of missense changes on protein structure and function outputs the following: PolyPhen-2: "Not Available". The valine amino acid residue is found in multiple mammalian species, which suggests that this missense change does not adversely affect protein function. In summary, the available evidence is currently insufficient to determine the role of this variant in disease. Therefore, it has been classified as a Variant of Uncertain Significance.

Ambry Genetics
Classification: Uncertain significance for Inborn genetic diseases. Last evaluated: 2025-02-25. Review status: criteria provided, single submitter. Criteria: Ambry Variant Classification Scheme 2023. Collection method: clinical testing. Allele origin: germline.

Revvity Omics, Revvity
Classification: Uncertain significance. Last evaluated: 2025-02-04. Review status: criteria provided, single submitter. Criteria: ACMG Guidelines, 2015. Collection method: clinical testing. Allele origin: germline.

Women's Health and Genetics/Laboratory Corporation of America, LabCorp
Classification: Uncertain significance. Last evaluated: 2024-07-10. Review status: criteria provided, single submitter. Criteria: LabCorp Variant Classification Summary - May 2015. Collection method: clinical testing. Allele origin: germline.
Comment: Variant summary: PLEC c.4301C>T (p.Ala1434Val) results in a non-conservative amino acid change in the encoded protein sequence. Four of five in-silico tools predict a benign effect of the variant on protein function. The variant allele was found at a frequency of 7.6e-05 in 211160 control chromosomes. This frequency is not significantly higher than estimated for a pathogenic variant in PLEC causing PLEC-Related Disorders, allowing no conclusion about variant significance. To our knowledge, no occurrence of c.4301C>T in individuals affected with PLEC-Related Disorders and no experimental evidence demonstrating its impact on protein function have been reported. ClinVar contains an entry for this variant (Variation ID: 510552). Based on the evidence outlined above, the variant was classified as uncertain significance.

CeGaT Center for Human Genetics Tuebingen
Classification: Uncertain significance. Last evaluated: 2024-07-01. Review status: criteria provided, single submitter. Criteria: CeGaT Center For Human Genetics Tuebingen Variant Classification Criteria Version 2. Collection method: clinical testing. Allele origin: germline. Affected: yes. Observed: 3 variant alleles.
Comment: PLEC: PM2, BP4

GeneDx
Classification: Likely benign. Last evaluated: 2017-07-06. Review status: criteria provided, single submitter. Criteria: GeneDx Variant Classification (06012015). Collection method: clinical testing. Allele origin: germline. Affected: yes.
Comment: This variant is considered likely benign or benign based on one or more of the following criteria: it is a conservative change, it occurs at a poorly conserved position in the protein, it is predicted to be benign by multiple in silico algorithms, and/or has population frequency not consistent with disease.

NM_201384.3(PLEC):c.4220C>T (p.Ala1407Val)

Gene: PLEC (plectin; minus strand). Cytogenetic location: 8q24.3.
Variant type: single nucleotide variant.
Coding change: c.4220C>T on transcript NM_201384.3 (MANE Select); coding-DNA position 4220, C replaced by T.
Protein change: p.Ala1407Val; replaces alanine 1407 with valine.
Molecular consequence: missense variant.
Genome position (GRCh38, 1-based): chr8:143,925,709, G>A on the plus strand (C>T on the coding strand, the complement: PLEC is on the minus strand). VCF-style: chr8-143925709-G-A. GRCh37 (hg19) VCF-style: chr8-144999877-G-A.
Other names: c.4301C>T, p.Ala1434Val (NM_000445.5); c.4178C>T, p.Ala1393Val (NM_201378.4); c.4154C>T, p.Ala1385Val (NM_201379.3); c.4631C>T, p.Ala1544Val (NM_201380.4); c.4124C>T, p.Ala1375Val (NM_201381.3); c.4220C>T, p.Ala1407Val (NM_201382.4); c.4232C>T, p.Ala1411Val (NM_201383.3); short protein forms A1375V, A1385V, A1393V, A1407V, A1411V, A1434V, A1544V.
Identifiers: ClinVar variation 510552 (VCV000510552.56), dbSNP rs548430154, ClinGen allele CA4926734.